The following is an entry in ClinVar:

NM_000435.3(NOTCH3):c.3088G>A (p.Gly1030Arg)

Gene: NOTCH3 (notch receptor 3; minus strand). Cytogenetic location: 19p13.12.
Variant type: single nucleotide variant.
Coding change: c.3088G>A on transcript NM_000435.3 (MANE Select); coding-DNA position 3088, G replaced by A.
Protein change: p.Gly1030Arg; replaces glycine 1030 with arginine.
Molecular consequence: missense variant.
Genome position (GRCh38, 1-based): chr19:15,180,735, C>T on the plus strand (G>A on the coding strand, the complement: NOTCH3 is on the minus strand). VCF-style: chr19-15180735-C-T. GRCh37 (hg19) VCF-style: chr19-15291546-C-T.
Other names: short protein forms G1030R.
Identifiers: ClinVar variation 2790697 (VCV002790697.5), dbSNP rs1179899018, ClinGen allele CA404514224.
Genomic context (GRCh38, chr19:15,180,735, plus strand): 5'-ACTCACCGATCTGGGCTGCGGCCTCCCTGCAGGGCAAGCTTCGGATGTCACAGAGGCGTC[C>T]GCTCCATCCAGGGGGACAAAGGCAATAGGCCCCAGTCTGGACGCAGCGACCCCCGTTTTG-3'
Protein context (NP_000426.2, residues 1020-1040): AYCLCPPGWS[Gly1030Arg]RLCDIRSLPC

ClinVar aggregate classification (germline): Uncertain significance. Review status: criteria provided, multiple submitters, no conflicts (2 of 4 stars). 3 submissions from 3 submitters: Uncertain significance (3). Last evaluated 2024-09-22.

Conditions:
Cerebral arteriopathy, autosomal dominant, with subcortical infarcts and leukoencephalopathy, type 1 (CADASIL1). Also called: DEMENTIA, HEREDITARY MULTIINFARCT TYPE; CADASIL 1; CASIL; Cerebral arteriopathy with subcortical infarcts and leukoencephalopathy 1. Identifiers: Orphanet 136, MedGen C4551768, MONDO:0000914, OMIM 125310.

Allele frequency attached by ClinVar (database versions not stated): gnomAD exomes below 0.00001; TOPMed below 0.00001.
gnomAD v4.1: 4 of 1,578,600 alleles (0.00025%); highest among the groups gnomAD compares: Non-Finnish European, 0.00034%; no homozygotes.

Submissions (3):

Genomic Medicine Center of Excellence, King Faisal Specialist Hospital and Research Centre
Classification: Uncertain significance for Cerebral arteriopathy, autosomal dominant, with subcortical infarcts and leukoencephalopathy, type 1. Last evaluated: 2024-09-22. Review status: criteria provided, single submitter. Criteria: ACMG Guidelines, 2015. Collection method: clinical testing. Allele origin: germline.

Women's Health and Genetics/Laboratory Corporation of America, LabCorp
Classification: Uncertain significance. Last evaluated: 2024-07-17. Review status: criteria provided, single submitter. Criteria: LabCorp Variant Classification Summary - May 2015. Collection method: clinical testing. Allele origin: germline.
Comment: Variant summary: NOTCH3 c.3088G>A (p.Gly1030Arg) results in a non-conservative amino acid change in the encoded protein sequence. Five of five in-silico tools predict a damaging effect of the variant on protein function. The frequency data for this variant in gnomAD is considered unreliable, as metrics indicate poor data quality at this position (gnomAD v2). In gnomAD v4, the variant was found in 4 individuals (4/1578600) at an allele frequency of 0.000003. c.3088G>A has been reported in the literature in one individual affected with arcoidosis-associated pulmonary hypertension, without additional evidence for causality (Groen_2022). These report(s) do not provide unequivocal conclusions about association of the variant with NOTCH3-Related Disorders. To our knowledge, no experimental evidence demonstrating an impact on protein function has been reported. The following publication has been ascertained in the context of this evaluation (PMID: 36292254). ClinVar contains an entry for this variant (Variation ID: 2790697). Based on the evidence outlined above, the variant was classified as uncertain significance.

Labcorp Genetics (formerly Invitae), Labcorp
Classification: Uncertain significance. Last evaluated: 2024-03-25. Review status: criteria provided, single submitter. Criteria: Invitae Variant Classification Sherloc (09022015). Collection method: clinical testing. Allele origin: germline.
Comment: This sequence change replaces glycine, which is neutral and non-polar, with arginine, which is basic and polar, at codon 1030 of the NOTCH3 protein (p.Gly1030Arg). This variant is not present in population databases (gnomAD no frequency). This variant has not been reported in the literature in individuals affected with NOTCH3-related conditions. Advanced modeling of protein sequence and biophysical properties (such as structural, functional, and spatial information, amino acid conservation, physicochemical variation, residue mobility, and thermodynamic stability) performed at Invitae indicates that this missense variant is expected to disrupt NOTCH3 protein function with a positive predictive value of 95%. In summary, the available evidence is currently insufficient to determine the role of this variant in disease. Therefore, it has been classified as a Variant of Uncertain Significance.

Literature cited by the submitters: PubMed 36292254 (cited by Women's Health and Genetics/Laboratory Corporation of America, LabCorp).